The following is an entry in ClinVar:

NM_000125.4(ESR1):c.933G>A (p.Thr311=)

Gene: ESR1 (estrogen receptor 1; plus strand). Cytogenetic location: 6q25.1.
Variant type: single nucleotide variant.
Coding change: c.933G>A on transcript NM_000125.4 (MANE Select); coding-DNA position 933, G replaced by A.
Protein change: p.Thr311=; no amino-acid change (threonine 311 retained).
Molecular consequence: synonymous variant.
Genome position (GRCh38, 1-based): chr6:151,944,345, G>A. VCF-style: chr6-151944345-G-A. GRCh37 (hg19) VCF-style: chr6-152265480-G-A.
Other names: c.933G>A, p.Thr311= (NM_001122740.2, NM_001122741.2, NM_001122742.2 and 5 more transcripts); c.939G>A, p.Thr313= (NM_001291230.2); c.930G>A, p.Thr310= (NM_001291241.2); c.414G>A, p.Thr138= (NM_001328100.2).
Identifiers: ClinVar variation 781014 (VCV000781014.9), dbSNP rs78574022, ClinGen allele CA4052335.
Genomic context (GRCh38, chr6:151,944,345, plus strand): 5'-TTGGCCAAGCCCGCTCATGATCAAACGCTCTAAGAAGAACAGCCTGGCCTTGTCCCTGAC[G>A]GCCGACCAGATGGTCAGTGCCTTGTTGGATGCTGAGCCCCCGATACTCTATTCCGAGTAT-3'
Protein context (NP_000116.2, residues 301-321): SKKNSLALSL[Thr311=]ADQMVSALLD

ClinVar aggregate classification (germline): Benign/Likely benign. Review status: criteria provided, multiple submitters, no conflicts (2 of 4 stars). 4 submissions from 4 submitters: Benign (1); Likely benign (2). 1 of the submissions does not count toward it. Last evaluated 2021-06-15.

Conditions:
ESR1-related disorder. Also called: ESR1-related condition.

Allele frequency attached by ClinVar (database versions not stated): gnomAD exomes 0.00091 and 0.00042; 1000 Genomes Project 30x 0.00172; gnomAD 0.00334 and 0.00367; 1000 Genomes Project 0.00200; ESP Exome Variant Server 0.00338; TOPMed 0.00388; ExAC 0.00105.
gnomAD v4.1: 1,164 of 1,614,110 alleles (0.072%); highest among the groups gnomAD compares: African/African-American, 1.2%; 4 homozygotes.

Submissions (4):

GeneDx
Classification: Likely benign. Last evaluated: 2021-06-15. Review status: criteria provided, single submitter. Criteria: GeneDx Variant Classification Process June 2021. Collection method: clinical testing. Allele origin: germline. Affected: yes.

Labcorp Genetics (formerly Invitae), Labcorp
Classification: Benign. Last evaluated: 2019-12-31. Review status: criteria provided, single submitter. Criteria: Invitae Variant Classification Sherloc (09022015). Collection method: clinical testing. Allele origin: germline.

Breakthrough Genomics
Classification: Likely benign. Review status: criteria provided, single submitter. Criteria: ACMG Guidelines, 2015. Collection method: not provided. Allele origin: germline. Inheritance: Autosomal recessive inheritance. Affected: yes.

PreventionGenetics, part of Exact Sciences
Classification: Benign for ESR1-related condition. Last evaluated: 2019-05-09. Review status: no assertion criteria provided. Collection method: clinical testing. Allele origin: germline. Not counted in ClinVar's aggregate classification.
Comment: This variant is classified as benign based on ACMG/AMP sequence variant interpretation guidelines (Richards et al. 2015 PMID: 25741868, with internal and published modifications).